The following is an entry in ClinVar:

ClinVar aggregate classification (germline): Likely benign (1 of 4 stars; one submission).

Allele frequency attached by ClinVar (database versions not stated): 1000 Genomes Project 30x 0.01265; TOPMed 0.01080; gnomAD 0.00960 and 0.01028; 1000 Genomes Project 0.01078.

Submission:

GeneDx
Classification: Likely benign. Last evaluated: 2018-06-19. Review status: criteria provided, single submitter. Criteria: GeneDx Variant Classification (06012015). Collection method: clinical testing. Allele origin: germline. Affected: yes.
Comment: This variant is considered likely benign or benign based on one or more of the following criteria: it is a conservative change, it occurs at a poorly conserved position in the protein, it is predicted to be benign by multiple in silico algorithms, and/or has population frequency not consistent with disease.

NM_177550.4(SLC13A5):c.-161C>G

Gene: SLC13A5 (solute carrier family 13 member 5; minus strand). Cytogenetic location: 17p13.1.
Variant type: single nucleotide variant.
Coding change: c.-161C>G on transcript NM_177550.4; 161 bases upstream of the start codon, C replaced by G.
Genome position (GRCh38, 1-based): chr17:6,713,494, G>C on the plus strand (C>G on the coding strand, the complement: SLC13A5 is on the minus strand). VCF-style: chr17-6713494-G-C. GRCh37 (hg19) VCF-style: chr17-6616813-G-C.
Identifiers: ClinVar variation 677807 (VCV000677807.3), dbSNP rs561401348, ClinGen allele CA287399878.